The following is an entry in ClinVar:

ClinVar aggregate classification (germline): Uncertain significance. Review status: criteria provided, multiple submitters, no conflicts (2 of 4 stars). 2 submissions from 2 submitters: Uncertain significance (2). Last evaluated 2025-02-12.

Conditions:
Inborn genetic diseases. Identifiers: MedGen C0950123, MeSH D030342.
Hereditary spastic paraplegia 3A (SPG3A). Also called: SPASTIC PARAPLEGIA 3, AUTOSOMAL DOMINANT; FAMILIAL SPASTIC PARAPLEGIA, AUTOSOMAL DOMINANT, 1; SPG3; STRUMPELL DISEASE; Spastic Paraplegia 3A; Spastic paraplegia 3A, autosomal dominant. Identifiers: Orphanet 100984, MedGen C2931355, MONDO:0008437, OMIM 182600.

Allele frequency attached by ClinVar (database versions not stated): gnomAD 0.00001; TOPMed 0.00001; gnomAD exomes 0.00002 and 0.00004; ExAC 0.00003.
gnomAD v4.1: 60 of 1,613,500 alleles (0.0037%); highest among the groups gnomAD compares: Non-Finnish European, 0.005%; no homozygotes.

Submissions (2):

Labcorp Genetics (formerly Invitae), Labcorp
Classification: Uncertain significance for Hereditary spastic paraplegia 3A. Last evaluated: 2025-02-12. Review status: criteria provided, single submitter. Criteria: Invitae Variant Classification Sherloc (09022015). Collection method: clinical testing. Allele origin: germline.
Comment: This sequence change falls in intron 6 of the ATL1 gene. It does not directly change the encoded amino acid sequence of the ATL1 protein. It affects a nucleotide within the consensus splice site. This variant is present in population databases (rs746263796, gnomAD 0.004%). This variant has not been reported in the literature in individuals affected with ATL1-related conditions. ClinVar contains an entry for this variant (Variation ID: 471251). Variants that disrupt the consensus splice site are a relatively common cause of aberrant splicing (PMID: 17576681, 9536098). Algorithms developed to predict the effect of sequence changes on RNA splicing suggest that this variant is not likely to affect RNA splicing. In summary, the available evidence is currently insufficient to determine the role of this variant in disease. Therefore, it has been classified as a Variant of Uncertain Significance.

Ambry Genetics
Classification: Uncertain significance for Inborn genetic diseases. Last evaluated: 2020-08-07. Review status: criteria provided, single submitter. Criteria: Ambry Variant Classification Scheme 2023. Collection method: clinical testing. Allele origin: germline.
Comment: The c.630+3G>A intronic variant results from a G to A substitution 3 nucleotides after coding exon 6 in the ATL1 gene. This nucleotide position is not well conserved in available vertebrate species. In silico splice site analysis predicts that this alteration will not have any significant effect on splicing. Since supporting evidence is limited at this time, the clinical significance of this alteration remains unclear.

Literature cited by the submitters: PubMed 17576681 (cited by Labcorp Genetics (formerly Invitae), Labcorp); PubMed 9536098 (cited by Labcorp Genetics (formerly Invitae), Labcorp).

NM_015915.5(ATL1):c.630+3G>A

Gene: ATL1 (atlastin GTPase 1; plus strand). Cytogenetic location: 14q22.1.
Variant type: single nucleotide variant.
Coding change: c.630+3G>A on transcript NM_015915.5 (MANE Select); 3 bases into the intron after coding-DNA position 630, G replaced by A.
Molecular consequence: intron variant.
Genome position (GRCh38, 1-based): chr14:50,595,635, G>A. VCF-style: chr14-50595635-G-A. GRCh37 (hg19) VCF-style: chr14-51062353-G-A.
Other names: c.630+3G>A (NM_001127713.1, NM_181598.4).
Identifiers: ClinVar variation 471251 (VCV000471251.10), dbSNP rs746263796, ClinGen allele CA7180295.